The following is an entry in ClinVar:

ClinVar aggregate classification (germline): Uncertain significance. Review status: criteria provided, multiple submitters, no conflicts (2 of 4 stars). 2 submissions from 2 submitters: Uncertain significance (2). Last evaluated 2024-03-07.

Conditions:
Familial hemophagocytic lymphohistiocytosis 4 (FHL4). Also called: STX11-Related Familial Hemophagocytic Lymphohistiocytosis (STX11-fHLH). Identifiers: Orphanet 540, MedGen C1863728, MONDO:0011336, OMIM 603552.

Allele frequency attached by ClinVar (database versions not stated): ExAC 0.00001; 1000 Genomes Project 30x 0.00016.

Submissions (2):

Mayo Clinic Laboratories, Mayo Clinic
Classification: Uncertain significance. Last evaluated: 2024-03-07. Review status: criteria provided, single submitter. Criteria: ACMG Guidelines, 2015. Collection method: clinical testing. Allele origin: germline. Observed: 1 variant allele.
Comment: BP4

Labcorp Genetics (formerly Invitae), Labcorp
Classification: Uncertain significance for Familial hemophagocytic lymphohistiocytosis 4. Last evaluated: 2023-12-18. Review status: criteria provided, single submitter. Criteria: Invitae Variant Classification Sherloc (09022015). Collection method: clinical testing. Allele origin: germline.
Comment: This sequence change replaces valine, which is neutral and non-polar, with methionine, which is neutral and non-polar, at codon 34 of the STX11 protein (p.Val34Met). This variant is present in population databases (rs777686678, gnomAD 0.003%). This variant has not been reported in the literature in individuals affected with STX11-related conditions. ClinVar contains an entry for this variant (Variation ID: 1980810). Advanced modeling of protein sequence and biophysical properties (such as structural, functional, and spatial information, amino acid conservation, physicochemical variation, residue mobility, and thermodynamic stability) performed at Invitae indicates that this missense variant is not expected to disrupt STX11 protein function with a negative predictive value of 80%. In summary, the available evidence is currently insufficient to determine the role of this variant in disease. Therefore, it has been classified as a Variant of Uncertain Significance.

NM_003764.4(STX11):c.100G>A (p.Val34Met)

Gene: STX11 (syntaxin 11; plus strand). Cytogenetic location: 6q24.2.
Variant type: single nucleotide variant.
Coding change: c.100G>A on transcript NM_003764.4 (MANE Select); coding-DNA position 100, G replaced by A.
Protein change: p.Val34Met; replaces valine 34 with methionine.
Molecular consequence: missense variant.
Genome position (GRCh38, 1-based): chr6:144,186,727, G>A. VCF-style: chr6-144186727-G-A. GRCh37 (hg19) VCF-style: chr6-144507864-G-A.
Other names: p.Val34Met; short protein forms V34M.
Identifiers: ClinVar variation 1980810 (VCV001980810.3), dbSNP rs777686678, ClinGen allele CA4031620.